The following is an entry in ClinVar:

ClinVar aggregate classification (germline): Likely pathogenic (0 of 4 stars; one submission).

Conditions:
Osteogenesis imperfecta, perinatal lethal (OI2). Also called: VROLIK TYPE OF OSTEOGENESIS IMPERFECTA; Osteogenesis imperfecta type 2; Osteogenesis imperfecta, dominant perinatal lethal; OSTEOGENESIS IMPERFECTA, TYPE II; OI, TYPE II; OSTEOGENESIS IMPERFECTA CONGENITA. Identifiers: Orphanet 216804, MedGen C0268358, MONDO:0008147, OMIM 166210.

Submission:

Institute of Medical Genetics and Genomics, Sir Ganga Ram Hospital
Classification: Likely pathogenic for Osteogenesis imperfecta, perinatal lethal. Last evaluated: 2022-01-11. Review status: no assertion criteria provided. Collection method: clinical testing. Allele origin: unknown. Inheritance: Autosomal dominant inheritance. Affected: yes. Observed: 1 heterozygote.
Comment: The novel heterozygous mis-sense variant c.1630G>T (p.G544C) has not been observed in gnomAD and 1000g. In-silico bioinformatic software predict this variant by mutation taster as Disease causing and SIFT & PROVEAN as Damaging. Osteogenesis Imperfecta II is an autosomal dominant disorder. Based on the phenotypic observation we classify this variant as likely pathogenic.

NM_000089.4(COL1A2):c.1630G>T (p.Gly544Cys)

Gene: COL1A2 (collagen type I alpha 2 chain; plus strand). Cytogenetic location: 7q21.3.
Variant type: single nucleotide variant.
Coding change: c.1630G>T on transcript NM_000089.4 (MANE Select); coding-DNA position 1630, G replaced by T.
Protein change: p.Gly544Cys; replaces glycine 544 with cysteine.
Molecular consequence: missense variant.
Genome position (GRCh38, 1-based): chr7:94,413,912, G>T. VCF-style: chr7-94413912-G-T. GRCh37 (hg19) VCF-style: chr7-94043224-G-T.
Other names: short protein forms G544C.
Identifiers: ClinVar variation 1333726 (VCV001333726.2), dbSNP rs72658134, ClinGen allele CA368222258.